The following is an entry in ClinVar:

NM_018834.6(MATR3):c.979C>G (p.Pro327Ala)

Gene: MATR3 (matrin 3; plus strand). Cytogenetic location: 5q31.2.
Variant type: single nucleotide variant.
Coding change: c.979C>G on transcript NM_018834.6 (MANE Select); coding-DNA position 979, C replaced by G.
Protein change: p.Pro327Ala; replaces proline 327 with alanine.
Molecular consequence: missense variant. On other transcripts: 5 prime UTR variant (8).
Genome position (GRCh38, 1-based): chr5:139,315,701, C>G. VCF-style: chr5-139315701-C-G. GRCh37 (hg19) VCF-style: chr5-138651390-C-G.
Other names: c.979C>G, p.Pro327Ala (NM_001194954.2, NM_001194955.2, NM_001400441.1 and 16 more transcripts); c.115C>G, p.Pro39Ala (NM_001194956.2); c.-36C>G (NM_001282278.2, NM_001400460.1, NM_001400462.1 and 5 more transcripts); c.118C>G, p.Pro40Ala (NM_001400459.1); c.79C>G, p.Pro27Ala (NM_001400461.1); short protein forms P40A, P327A, P39A, P27A.
Identifiers: ClinVar variation 4742779 (VCV004742779.1).

ClinVar aggregate classification (germline): Uncertain significance (1 of 4 stars; one submission).

Conditions:
Amyotrophic lateral sclerosis type 21. Also called: MYOPATHY, DISTAL, 2; VOCAL CORD AND PHARYNGEAL DYSFUNCTION WITH DISTAL MYOPATHY. Identifiers: Orphanet 600, Orphanet 803, MedGen C3807521, MONDO:0011632, OMIM 606070.

gnomAD v4.1: 2 of 1,610,050 alleles (0.00012%); highest among the groups gnomAD compares: South Asian, 0.0011%; no homozygotes.

Submission:

Labcorp Genetics (formerly Invitae), Labcorp
Classification: Uncertain significance for Amyotrophic lateral sclerosis type 21. Last evaluated: 2025-07-14. Review status: criteria provided, single submitter. Criteria: Invitae Variant Classification Sherloc (09022015). Collection method: clinical testing. Allele origin: germline.
Comment: This sequence change replaces proline, which is neutral and non-polar, with alanine, which is neutral and non-polar, at codon 327 of the MATR3 protein (p.Pro327Ala). This variant is not present in population databases (gnomAD no frequency). This variant has not been reported in the literature in individuals affected with MATR3-related conditions. Invitae Evidence Modeling of protein sequence and biophysical properties (such as structural, functional, and spatial information, amino acid conservation, physicochemical variation, residue mobility, and thermodynamic stability) indicates that this missense variant is expected to disrupt MATR3 protein function with a positive predictive value of 80%. In summary, the available evidence is currently insufficient to determine the role of this variant in disease. Therefore, it has been classified as a Variant of Uncertain Significance.